The following is an entry in ClinVar:

ClinVar aggregate classification (germline): Pathogenic/Likely pathogenic. Review status: criteria provided, multiple submitters, no conflicts (2 of 4 stars). 2 submissions from 2 submitters: Pathogenic (1); Likely pathogenic (1). Last evaluated 2023-12-25.

Conditions:
Irido-corneo-trabecular dysgenesis (ASGD5). Also called: ANTERIOR SEGMENT DYSGENESIS 5. Identifiers: Orphanet 708, MedGen C0344559, MONDO:0011414, OMIM 604229, HP:0000659.
Aniridia 1 (AN1). Identifiers: Orphanet 250923, MedGen C0344542, MONDO:0024507, OMIM 106210.

Submissions (2):

Eye & ENT Hospital, Shanghai Medical College, Fudan University
Classification: Likely pathogenic for Aniridia 1. Last evaluated: 2023-12-25. Review status: criteria provided, single submitter. Criteria: ACMG Guidelines, 2007. Collection method: clinical testing. Allele origin: de novo. Affected: yes.

Labcorp Genetics (formerly Invitae), Labcorp
Classification: Pathogenic for Aniridia 1; Irido-corneo-trabecular dysgenesis. Last evaluated: 2019-02-27. Review status: criteria provided, single submitter. Criteria: Invitae Variant Classification Sherloc (09022015). Collection method: clinical testing. Allele origin: germline.
Comment: For these reasons, this variant has been classified as Pathogenic. Loss-of-function variants in PAX6 are known to be pathogenic (PMID: 12634864). This variant has not been reported in the literature in individuals with PAX6-related conditions. This variant is not present in population databases (ExAC no frequency). This sequence change creates a premature translational stop signal (p.Asp23Alafs*34) in the PAX6 gene. It is expected to result in an absent or disrupted protein product.

Literature cited by the submitters: PubMed 12634864 (cited by Labcorp Genetics (formerly Invitae), Labcorp).

NM_001368894.2(PAX6):c.62_65dup (p.Asp23fs)

Gene: PAX6 (paired box 6; minus strand). Cytogenetic location: 11p13.
Variant type: Duplication.
Coding change: c.62_65dup on transcript NM_001368894.2 (MANE Select); coding-DNA positions 62 to 65, 4 bases duplicated (TGCC; older notation c.62_65dupTGCC).
Protein change: p.Asp23fs; shifts the reading frame from aspartic acid 23.
Molecular consequence: frameshift variant. On other transcripts: 5 prime UTR variant (12), non-coding transcript variant (2), intron variant (2).
Genome position (GRCh38, 1-based): chr11:31,802,780-31,802,783, GGCA duplicated on the plus strand (TGCC on the coding strand, the reverse complement: PAX6 is on the minus strand); duplicating any 4 consecutive bases within chr11:31,802,780-31,802,784 gives the same sequence; the c. name uses the placement nearest the transcript's 3' end. VCF-style (leftmost placement, unchanged base first): chr11-31802779-C-CGGCA. GRCh37 (hg19) VCF-style: chr11-31824327-C-CGGCA.
Other names: c.62_65dup, p.Asp23fs (NM_001368888.2, NM_000280.6, NM_001127612.3 and 30 more transcripts); c.-720_-717dup (NM_001310160.2, NM_001368905.2); c.-389_-386dup (NM_001310161.3, NM_001368900.2, NM_001368903.2 and 2 more transcripts); c.-347_-344dup (NM_001368899.2, NM_001368901.2, NM_001368906.2 and 1 more transcripts); c.-678_-675dup (NM_001368902.2); c.305_308dup, p.Asp104fs (NM_001368910.2); c.65_68dup, p.Asp24fs (NM_001368911.2); c.-267-1007_-267-1004dup (NM_001368909.2, NM_001368904.2); and 1 more; short protein forms D104fs, D23fs, D24fs.
Identifiers: ClinVar variation 856320 (VCV000856320.10), dbSNP rs1954534591, ClinGen allele CA916082340.
Genomic context (GRCh38, chr11:31,802,779, plus strand): 5'-AATGTCGCACGGCCGGGCCCCGCTGTGAGCTAGCTCTACAATCTTCTGCCGGGTGGAGTC[C>CGGCA]GGCAGTGGCCGCCCGTTGACAAAGACACCACCGAGCTGATTCACTCCGCTGTGACCTGAG-3'